The following is an entry in ClinVar:

ClinVar aggregate classification (germline): Uncertain significance. Review status: criteria provided, multiple submitters, no conflicts (2 of 4 stars). 3 submissions from 3 submitters: Uncertain significance (3). Last evaluated 2025-04-03.

Conditions:
Inborn genetic diseases. Identifiers: MedGen C0950123, MeSH D030342.
Welander distal myopathy (WDM). Also called: MUSCULAR DYSTROPHY, DISTAL, LATE-ONSET, AUTOSOMAL DOMINANT; Gower's muscular dystrophy; Welander distal myopathy, Swedish type; Distal myopathy, Swedish type. Identifiers: Orphanet 603, MedGen C0221054, MONDO:0011466, OMIM 604454.

Allele frequency attached by ClinVar (database versions not stated): gnomAD 0.00001; ExAC 0.00003; gnomAD exomes 0.00003; TOPMed 0.00004.
gnomAD v4.1: 39 of 1,589,762 alleles (0.0025%); highest among the groups gnomAD compares: Admixed American, 0.0077%; no homozygotes.

Submissions (3):

Ambry Genetics
Classification: Uncertain significance for Inborn genetic diseases. Last evaluated: 2025-04-03. Review status: criteria provided, single submitter. Criteria: Ambry Variant Classification Scheme 2023. Collection method: clinical testing. Allele origin: germline.

Labcorp Genetics (formerly Invitae), Labcorp
Classification: Uncertain significance for Welander distal myopathy. Last evaluated: 2024-09-28. Review status: criteria provided, single submitter. Criteria: Invitae Variant Classification Sherloc (09022015). Collection method: clinical testing. Allele origin: germline.
Comment: This sequence change replaces glutamine, which is neutral and polar, with leucine, which is neutral and non-polar, at codon 228 of the TIA1 protein (p.Gln228Leu). This variant is present in population databases (rs763253859, gnomAD 0.01%). This variant has not been reported in the literature in individuals affected with TIA1-related conditions. ClinVar contains an entry for this variant (Variation ID: 1043578). Invitae Evidence Modeling of protein sequence and biophysical properties (such as structural, functional, and spatial information, amino acid conservation, physicochemical variation, residue mobility, and thermodynamic stability) indicates that this missense variant is not expected to disrupt TIA1 protein function with a negative predictive value of 80%. In summary, the available evidence is currently insufficient to determine the role of this variant in disease. Therefore, it has been classified as a Variant of Uncertain Significance.

GeneDx
Classification: Uncertain significance. Last evaluated: 2023-03-21. Review status: criteria provided, single submitter. Criteria: GeneDx Variant Classification Process June 2021. Collection method: clinical testing. Allele origin: germline. Affected: yes.
Comment: In silico analysis supports that this missense variant has a deleterious effect on protein structure/function; Has not been previously published as pathogenic or benign to our knowledge; This variant is associated with the following publications: (PMID: 30982635)

NM_022173.4(TIA1):c.683A>T (p.Gln228Leu)

Gene: TIA1 (TIA1 cytotoxic granule associated RNA binding protein; minus strand). Cytogenetic location: 2p13.3.
Variant type: single nucleotide variant.
Coding change: c.683A>T on transcript NM_022173.4 (MANE Select); coding-DNA position 683, A replaced by T.
Protein change: p.Gln228Leu; replaces glutamine 228 with leucine.
Molecular consequence: missense variant. On other transcripts: non-coding transcript variant (17).
Genome position (GRCh38, 1-based): chr2:70,216,289, T>A on the plus strand (A>T on the coding strand, the complement: TIA1 is on the minus strand). VCF-style: chr2-70216289-T-A. GRCh37 (hg19) VCF-style: chr2-70443421-T-A.
Other names: c.683A>T, p.Gln228Leu (NM_001351508.2, NM_001351516.2); c.656A>T, p.Gln219Leu (NM_001351509.2); c.650A>T, p.Gln217Leu (NM_001351510.2, NM_022037.4); c.572A>T, p.Gln191Leu (NM_001351511.1); c.545A>T, p.Gln182Leu (NM_001351512.1); c.539A>T, p.Gln180Leu (NM_001351513.1); c.455A>T, p.Gln152Leu (NM_001351514.2); c.380A>T, p.Gln127Leu (NM_001351515.2); and 2 more; short protein forms Q152L, Q180L, Q182L, Q228L, Q127L, Q217L, Q219L, Q191L.
Identifiers: ClinVar variation 1043578 (VCV001043578.10), dbSNP rs763253859, ClinGen allele CA1697491.